The following is an entry in ClinVar:

NM_001029998.6(SLC10A7):c.500C>T (p.Thr167Ile)

Gene: SLC10A7 (solute carrier family 10 member 7; minus strand). Cytogenetic location: 4q31.22.
Variant type: single nucleotide variant.
Coding change: c.500C>T on transcript NM_001029998.6 (MANE Select); coding-DNA position 500, C replaced by T.
Protein change: p.Thr167Ile; replaces threonine 167 with isoleucine.
Molecular consequence: missense variant. On other transcripts: non-coding transcript variant (1).
Genome position (GRCh38, 1-based): chr4:146,305,981, G>A on the plus strand (C>T on the coding strand, the complement: SLC10A7 is on the minus strand). VCF-style: chr4-146305981-G-A. GRCh37 (hg19) VCF-style: chr4-147227133-G-A.
Other names: c.500C>T, p.Thr167Ile (NM_001300842.3); c.461C>T, p.Thr154Ile (NM_001317816.2); short protein forms T154I, T167I.
Identifiers: ClinVar variation 1394118 (VCV001394118.6), dbSNP rs2149681892, ClinGen allele CA358413456.

ClinVar aggregate classification (germline): Uncertain significance (1 of 4 stars; one submission).

gnomAD v4.1: 2 of 1,610,090 alleles (0.00012%); highest among the groups gnomAD compares: South Asian, 0.0011%; no homozygotes.

Submission:

Labcorp Genetics (formerly Invitae), Labcorp
Classification: Uncertain significance. Last evaluated: 2022-11-08. Review status: criteria provided, single submitter. Criteria: Invitae Variant Classification Sherloc (09022015). Collection method: clinical testing. Allele origin: germline.
Comment: This variant is not present in population databases (gnomAD no frequency). In summary, the available evidence is currently insufficient to determine the role of this variant in disease. Therefore, it has been classified as a Variant of Uncertain Significance. Algorithms developed to predict the effect of missense changes on protein structure and function are either unavailable or do not agree on the potential impact of this missense change (SIFT: "Not Available"; PolyPhen-2: "Benign"; Align-GVGD: "Not Available"). ClinVar contains an entry for this variant (Variation ID: 1394118). This variant has not been reported in the literature in individuals affected with SLC10A7-related conditions. This sequence change replaces threonine, which is neutral and polar, with isoleucine, which is neutral and non-polar, at codon 167 of the SLC10A7 protein (p.Thr167Ile).